The following is an entry in ClinVar:

ClinVar aggregate classification (germline): Uncertain significance. Review status: criteria provided, multiple submitters, no conflicts (2 of 4 stars). 3 submissions from 3 submitters: Uncertain significance (2). 1 of the submissions does not count toward it. Last evaluated 2022-09-27.

Conditions:
Microcephalic osteodysplastic primordial dwarfism type II (MOPD2). Also called: Microcephalic osteodysplastic primordial dwarfism with tooth abnormalities; MOPD II; OSTEODYSPLASTIC PRIMORDIAL DWARFISM, TYPE II. Identifiers: Orphanet 2637, MedGen C0432246, MONDO:0008872, OMIM 210720.
PCNT-related disorder. Also called: PCNT-related condition.

Allele frequency attached by ClinVar (database versions not stated): gnomAD exomes 0.00006; ExAC 0.00009; gnomAD 0.00009; TOPMed 0.00010; ESP Exome Variant Server 0.00023.
gnomAD v4.1: 61 of 1,607,280 alleles (0.0038%); highest among the groups gnomAD compares: African/African-American, 0.024%; no homozygotes.

Submissions (3):

Labcorp Genetics (formerly Invitae), Labcorp
Classification: Uncertain significance. Last evaluated: 2022-09-27. Review status: criteria provided, single submitter. Criteria: Invitae Variant Classification Sherloc (09022015). Collection method: clinical testing. Allele origin: germline.
Comment: This sequence change replaces alanine, which is neutral and non-polar, with valine, which is neutral and non-polar, at codon 1523 of the PCNT protein (p.Ala1523Val). This variant is present in population databases (rs138175397, gnomAD 0.04%). This variant has not been reported in the literature in individuals affected with PCNT-related conditions. ClinVar contains an entry for this variant (Variation ID: 895557). Algorithms developed to predict the effect of missense changes on protein structure and function output the following: SIFT: "Tolerated"; PolyPhen-2: "Benign"; Align-GVGD: "Class C0". The valine amino acid residue is found in multiple mammalian species, which suggests that this missense change does not adversely affect protein function. Algorithms developed to predict the effect of sequence changes on RNA splicing suggest that this variant may create or strengthen a splice site. In summary, the available evidence is currently insufficient to determine the role of this variant in disease. Therefore, it has been classified as a Variant of Uncertain Significance.

Illumina Laboratory Services, Illumina
Classification: Uncertain significance for Microcephalic osteodysplastic primordial dwarfism type II. Last evaluated: 2018-01-13. Review status: criteria provided, single submitter. Criteria: ICSL Variant Classification Criteria 13 December 2019. Collection method: clinical testing. Allele origin: germline.

PreventionGenetics, part of Exact Sciences
Classification: Uncertain significance for PCNT-related condition. Last evaluated: 2024-08-19. Review status: no assertion criteria provided. Collection method: clinical testing. Allele origin: germline. Not counted in ClinVar's aggregate classification.
Comment: The PCNT c.4568C>T variant is predicted to result in the amino acid substitution p.Ala1523Val. To our knowledge, this variant has not been reported in the literature. This variant is reported in 0.042% of alleles in individuals of African descent in gnomAD. At this time, the clinical significance of this variant is uncertain due to the absence of conclusive functional and genetic evidence.

NM_006031.6(PCNT):c.4568C>T (p.Ala1523Val)

Gene: PCNT (pericentrin; plus strand). Cytogenetic location: 21q22.3.
Variant type: single nucleotide variant.
Coding change: c.4568C>T on transcript NM_006031.6 (MANE Select); coding-DNA position 4568, C replaced by T.
Protein change: p.Ala1523Val; replaces alanine 1523 with valine.
Molecular consequence: missense variant.
Genome position (GRCh38, 1-based): chr21:46,398,239, C>T. VCF-style: chr21-46398239-C-T. GRCh37 (hg19) VCF-style: chr21-47818153-C-T.
Other names: c.4214C>T, p.Ala1405Val (NM_001315529.2); short protein forms A1405V, A1523V.
Identifiers: ClinVar variation 895557 (VCV000895557.10), dbSNP rs138175397, ClinGen allele CA10079693.